The following is an entry in ClinVar:

ClinVar aggregate classification (germline): Pathogenic (1 of 4 stars; one submission).

Conditions:
DICER1-related tumor predisposition. Also called: DICER1-related pleuropulmonary blastoma cancer predisposition syndrome; DICER1 syndrome. Identifiers: Orphanet 284343, MedGen C3839822, MONDO:0100216.

Submission:

Foulkes Cancer Genetics LDI, Lady Davis Institute for Medical Research
Classification: Pathogenic for Pleuropulmonary blastoma. Last evaluated: 2019-07-01. Review status: criteria provided, single submitter. Criteria: ACMG Guidelines, 2015. Collection method: curation. Allele origin: germline. Affected: yes. Observed: 2 variant alleles.
Comment: ACMG criteria met: PVS1, PM2, PP4

Literature cited by the submitters: PubMed 28624956.

NM_177438.3(DICER1):c.2296dup (p.Gln766fs)

Gene: DICER1 (dicer 1, ribonuclease III; minus strand). Cytogenetic location: 14q32.13.
Variant type: Duplication.
Coding change: c.2296dup on transcript NM_177438.3 (MANE Select); coding-DNA position 2296, one base duplicated (C; older notation c.2296dupC).
Protein change: p.Gln766fs; shifts the reading frame from glutamine 766.
Molecular consequence: frameshift variant.
Genome position (GRCh38, 1-based): chr14:95,108,464, G duplicated on the plus strand (C on the coding strand, the reverse complement: DICER1 is on the minus strand). VCF-style (leftmost placement, unchanged base first): chr14-95108463-T-TG. GRCh37 (hg19) VCF-style: chr14-95574800-T-TG.
Other names: c.2296dup, p.Gln766fs (NM_030621.4, NM_001195573.1, NM_001271282.3 and 1 more transcripts); short protein forms Q766fs.
Identifiers: ClinVar variation 933012 (VCV000933012.3), dbSNP rs1891660573, ClinGen allele CA1139663660.